The following is an entry in ClinVar:

NM_015141.4(GPD1L):c.868G>A (p.Glu290Lys)

Gene: GPD1L (glycerol-3-phosphate dehydrogenase 1 like; plus strand). Cytogenetic location: 3p22.3.
Variant type: single nucleotide variant.
Coding change: c.868G>A on transcript NM_015141.4 (MANE Select); coding-DNA position 868, G replaced by A.
Protein change: p.Glu290Lys; replaces glutamic acid 290 with lysine.
Molecular consequence: missense variant.
Genome position (GRCh38, 1-based): chr3:32,159,583, G>A. VCF-style: chr3-32159583-G-A. GRCh37 (hg19) VCF-style: chr3-32201075-G-A.
Other names: short protein forms E290K.
Identifiers: ClinVar variation 4704918 (VCV004704918.1).
Genomic context (GRCh38, chr3:32,159,583, plus strand): 5'-GTCTTTACCATAGTTTTTTTAAATATATAATCCTTTGTTTTTAAGACCATTGAAGAGTTG[G>A]AGAAGGAGATGCTGAATGGGCAAAAGCTCCAAGGACCGCAGACTTCTGCTGAAGTGTACC-3'
Protein context (NP_055956.1, residues 280-300): ARTGKTIEEL[Glu290Lys]KEMLNGQKLQ

ClinVar aggregate classification (germline): Uncertain significance (1 of 4 stars; one submission).

Conditions:
Brugada syndrome. Also called: Sudden unexplained nocturnal death syndrome; Sudden unexpected nocturnal death syndrome; Sudden Unexplained Death Syndrome; Sudden Unexplained Nocturnal Death Syndrome (SUNDS). Identifiers: Orphanet 130, MedGen C1142166, MONDO:0015263.

Submission:

Labcorp Genetics (formerly Invitae), Labcorp
Classification: Uncertain significance for Brugada syndrome. Last evaluated: 2026-01-19. Review status: criteria provided, single submitter. Criteria: Invitae Variant Classification Sherloc (09022015). Collection method: clinical testing. Allele origin: germline.
Comment: This sequence change replaces glutamic acid, which is acidic and polar, with lysine, which is basic and polar, at codon 290 of the GPD1L protein (p.Glu290Lys). This variant is not present in population databases (gnomAD no frequency). This variant has not been reported in the literature in individuals affected with GPD1L-related conditions. Invitae Evidence Modeling of protein sequence and biophysical properties (such as structural, functional, and spatial information, amino acid conservation, physicochemical variation, residue mobility, and thermodynamic stability) has been performed for this missense variant. However, the output from this modeling did not meet the statistical confidence thresholds required to predict the impact of this variant on GPD1L protein function. In summary, the available evidence is currently insufficient to determine the role of this variant in disease. Therefore, it has been classified as a Variant of Uncertain Significance.